The following is an entry in ClinVar:

ClinVar aggregate classification (germline): Uncertain significance. Review status: criteria provided, multiple submitters, no conflicts (2 of 4 stars). 2 submissions from 2 submitters: Uncertain significance (2). Last evaluated 2025-06-22.

Conditions:
Inborn genetic diseases. Identifiers: MedGen C0950123, MeSH D030342.

Allele frequency attached by ClinVar (database versions not stated): ExAC 0.00001; gnomAD 0.00001; gnomAD exomes 0.00001 and 0.00002; TOPMed 0.00002.

Submissions (2):

Ambry Genetics
Classification: Uncertain significance for Inborn genetic diseases. Last evaluated: 2025-06-22. Review status: criteria provided, single submitter. Criteria: Ambry Variant Classification Scheme 2023. Collection method: clinical testing. Allele origin: germline.

Labcorp Genetics (formerly Invitae), Labcorp
Classification: Uncertain significance. Last evaluated: 2024-02-01. Review status: criteria provided, single submitter. Criteria: Invitae Variant Classification Sherloc (09022015). Collection method: clinical testing. Allele origin: germline.
Comment: This sequence change replaces leucine, which is neutral and non-polar, with serine, which is neutral and polar, at codon 385 of the FRMD7 protein (p.Leu385Ser). This variant is present in population databases (rs752957017, gnomAD 0.003%). This variant has not been reported in the literature in individuals affected with FRMD7-related conditions. ClinVar contains an entry for this variant (Variation ID: 849342). An algorithm developed to predict the effect of missense changes on protein structure and function (PolyPhen-2) suggests that this variant is likely to be tolerated. In summary, the available evidence is currently insufficient to determine the role of this variant in disease. Therefore, it has been classified as a Variant of Uncertain Significance.

NM_194277.3(FRMD7):c.1154T>C (p.Leu385Ser)

Gene: FRMD7 (FERM domain containing 7; minus strand). Cytogenetic location: Xq26.2.
Variant type: single nucleotide variant.
Coding change: c.1154T>C on transcript NM_194277.3 (MANE Select); coding-DNA position 1154, T replaced by C.
Protein change: p.Leu385Ser; replaces leucine 385 with serine.
Molecular consequence: missense variant.
Genome position (GRCh38, 1-based): chrX:132,078,863, A>G on the plus strand (T>C on the coding strand, the complement: FRMD7 is on the minus strand). VCF-style: chrX-132078863-A-G. GRCh37 (hg19) VCF-style: chrX-131212891-A-G.
Other names: c.1109T>C, p.Leu370Ser (NM_001306193.2); short protein forms L385S, L370S.
Identifiers: ClinVar variation 849342 (VCV000849342.10), dbSNP rs752957017, ClinGen allele CA10518888.
Genomic context (GRCh38, chrX:132,078,863, plus strand): 5'-AGCAATGTGGGATCCGCCTCTGGTTTGGAATGCTCCAGCTCAGTTGCAAATGTCACCTCC[A>G]ATGCAGAATTCCTCCTCCTACTCTCCAGCACTGGCTCAGATGCGTGCACTCCATTCACAT-3'
Protein context (NP_919253.1, residues 375-395): VLESRRRNSA[Leu385Ser]EVTFATELEH